The following is an entry in ClinVar:

NM_032043.3(BRIP1):c.1098T>G (p.Phe366Leu)

Gene: BRIP1 (BRCA1 interacting DNA helicase 1; minus strand). Cytogenetic location: 17q23.2.
Variant type: single nucleotide variant.
Coding change: c.1098T>G on transcript NM_032043.3 (MANE Select); coding-DNA position 1098, T replaced by G.
Protein change: p.Phe366Leu; replaces phenylalanine 366 with leucine.
Molecular consequence: missense variant.
Genome position (GRCh38, 1-based): chr17:61,801,295, A>C on the plus strand (T>G on the coding strand, the complement: BRIP1 is on the minus strand). VCF-style: chr17-61801295-A-C. GRCh37 (hg19) VCF-style: chr17-59878656-A-C.
Other names: short protein forms F366L.
Identifiers: ClinVar variation 2940787 (VCV002940787.4), dbSNP rs2145333466, ClinGen allele CA400483936.

ClinVar aggregate classification (germline): Uncertain significance. Review status: criteria provided, multiple submitters, no conflicts (2 of 4 stars). 2 submissions from 2 submitters: Uncertain significance (2). Last evaluated 2026-01-30.

Conditions:
Hereditary cancer-predisposing syndrome. Also called: Tumor predisposition; Neoplastic Syndromes, Hereditary; Hereditary Cancer Syndrome; Hereditary neoplastic syndrome. Identifiers: Orphanet 140162, MedGen C0027672, MeSH D009386, MONDO:0015356.
Fanconi anemia complementation group J. Also called: BRIP1-Related Fanconi Anemia. Identifiers: Orphanet 84, MedGen C1836860, MONDO:0012187, OMIM 609054.
Familial cancer of breast. Also called: BREAST CANCER, FAMILIAL; Hereditary breast cancer; hereditary breast carcinoma. Identifiers: Orphanet 227535, MedGen C0346153, MONDO:0016419, OMIM 114480. Disease mechanism: loss of function.

Submissions (2):

Ambry Genetics
Classification: Uncertain significance for Hereditary cancer-predisposing syndrome. Last evaluated: 2026-01-30. Review status: criteria provided, single submitter. Criteria: Ambry Variant Classification Scheme 2023. Collection method: clinical testing. Allele origin: germline.
Comment: The p.F366L variant (also known as c.1098T>G), located in coding exon 7 of the BRIP1 gene, results from a T to G substitution at nucleotide position 1098. The phenylalanine at codon 366 is replaced by leucine, an amino acid with highly similar properties. This amino acid position is highly conserved in available vertebrate species. In addition, the in silico prediction for this alteration is inconclusive. Based on the available evidence, the clinical significance of this variant remains unclear.

Labcorp Genetics (formerly Invitae), Labcorp
Classification: Uncertain significance for Familial cancer of breast; Fanconi anemia complementation group J. Last evaluated: 2024-11-20. Review status: criteria provided, single submitter. Criteria: Invitae Variant Classification Sherloc (09022015). Collection method: clinical testing. Allele origin: germline.
Comment: This sequence change replaces phenylalanine, which is neutral and non-polar, with leucine, which is neutral and non-polar, at codon 366 of the BRIP1 protein (p.Phe366Leu). This variant is not present in population databases (gnomAD no frequency). This variant has not been reported in the literature in individuals affected with BRIP1-related conditions. ClinVar contains an entry for this variant (Variation ID: 2940787). Invitae Evidence Modeling of protein sequence and biophysical properties (such as structural, functional, and spatial information, amino acid conservation, physicochemical variation, residue mobility, and thermodynamic stability) has been performed for this missense variant. However, the output from this modeling did not meet the statistical confidence thresholds required to predict the impact of this variant on BRIP1 protein function. In summary, the available evidence is currently insufficient to determine the role of this variant in disease. Therefore, it has been classified as a Variant of Uncertain Significance.